The following is an entry in ClinVar:

ClinVar aggregate classification (germline): Uncertain significance (1 of 4 stars; one submission).

Conditions:
Hereditary sensory neuropathy-deafness-dementia syndrome. Also called: HSN IE; NEUROPATHY, HEREDITARY SENSORY, WITH HEARING LOSS AND DEMENTIA; Hereditary Sensory and Autonomic Neuropathy Type 1E (HSAN1E); Hereditary sensory neuropathy type IE. Identifiers: Orphanet 456318, MedGen C3279885, MONDO:0013584, OMIM 614116.

Allele frequency attached by ClinVar (database versions not stated): TOPMed below 0.00001.
gnomAD v4.1: 2 of 1,614,042 alleles (0.00012%); highest among the groups gnomAD compares: East Asian, 0.0022%; no homozygotes.

Submission:

Labcorp Genetics (formerly Invitae), Labcorp
Classification: Uncertain significance for Hereditary sensory neuropathy-deafness-dementia syndrome. Last evaluated: 2020-02-18. Review status: criteria provided, single submitter. Criteria: Invitae Variant Classification Sherloc (09022015). Collection method: clinical testing. Allele origin: germline.
Comment: This variant is present in population databases (rs776374384, ExAC 0.002%). This sequence change replaces phenylalanine with leucine at codon 1069 of the DNMT1 protein (p.Phe1069Leu). The phenylalanine residue is moderately conserved and there is a small physicochemical difference between phenylalanine and leucine. This variant has not been reported in the literature in individuals with DNMT1-related conditions. Algorithms developed to predict the effect of missense changes on protein structure and function (SIFT, PolyPhen-2, Align-GVGD) all suggest that this variant is likely to be tolerated, but these predictions have not been confirmed by published functional studies and their clinical significance is uncertain. In summary, the available evidence is currently insufficient to determine the role of this variant in disease. Therefore, it has been classified as a Variant of Uncertain Significance.

NM_001130823.3(DNMT1):c.3207C>G (p.Phe1069Leu)

Gene: DNMT1 (DNA methyltransferase 1; minus strand). Cytogenetic location: 19p13.2.
Variant type: single nucleotide variant.
Coding change: c.3207C>G on transcript NM_001130823.3 (MANE Select); coding-DNA position 3207, C replaced by G.
Protein change: p.Phe1069Leu; replaces phenylalanine 1069 with leucine.
Molecular consequence: missense variant.
Genome position (GRCh38, 1-based): chr19:10,142,130, G>C on the plus strand (C>G on the coding strand, the complement: DNMT1 is on the minus strand). VCF-style: chr19-10142130-G-C. GRCh37 (hg19) VCF-style: chr19-10252806-G-C.
Other names: c.3159C>G, p.Phe1053Leu (NM_001318730.2, NM_001379.4); c.2844C>G, p.Phe948Leu (NM_001318731.2); short protein forms F1069L, F1053L, F948L.
Identifiers: ClinVar variation 1041673 (VCV001041673.9), dbSNP rs776374384, ClinGen allele CA9187818.